The following is an entry in ClinVar:

ClinVar aggregate classification (germline): Uncertain significance (1 of 4 stars; one submission).

Conditions:
Inborn genetic diseases. Identifiers: MedGen C0950123, MeSH D030342.

gnomAD v4.1: 1 of 1,589,788 alleles (0.000063%); highest among the groups gnomAD compares: Non-Finnish European, 0.000086%; no homozygotes.

Submission:

Ambry Genetics
Classification: Uncertain significance for Inborn genetic diseases. Last evaluated: 2025-09-19. Review status: criteria provided, single submitter. Criteria: Ambry Variant Classification Scheme 2023. Collection method: clinical testing. Allele origin: germline.
Comment: The p.D238H variant (also known as c.712G>C), located in coding exon 6 of the ANKRD26 gene, results from a G to C substitution at nucleotide position 712. The aspartic acid at codon 238 is replaced by histidine, an amino acid with similar properties. This amino acid position is conserved. In addition, this alteration is predicted to be tolerated by in silico analysis. Based on the available evidence, the clinical significance of this variant remains unclear.

NM_014915.3(ANKRD26):c.712G>C (p.Asp238His)

Gene: ANKRD26 (ankyrin repeat domain 26; minus strand). Cytogenetic location: 10p12.1.
Variant type: single nucleotide variant.
Coding change: c.712G>C on transcript NM_014915.3 (MANE Select); coding-DNA position 712, G replaced by C.
Protein change: p.Asp238His; replaces aspartic acid 238 with histidine.
Molecular consequence: missense variant.
Genome position (GRCh38, 1-based): chr10:27,082,831, C>G on the plus strand (G>C on the coding strand, the complement: ANKRD26 is on the minus strand). VCF-style: chr10-27082831-C-G. GRCh37 (hg19) VCF-style: chr10-27371760-C-G.
Other names: c.712G>C, p.Asp238His (NM_001256053.2); short protein forms D238H.
Identifiers: ClinVar variation 4578807 (VCV004578807.1).